The following is an entry in ClinVar:

ClinVar aggregate classification (germline): Uncertain significance. Review status: criteria provided, multiple submitters, no conflicts (2 of 4 stars). 3 submissions from 3 submitters: Uncertain significance (3). Last evaluated 2025-11-11.

Conditions:
Hereditary cancer-predisposing syndrome. Also called: Neoplastic Syndromes, Hereditary; Hereditary Cancer Syndrome; Hereditary neoplastic syndrome; Tumor predisposition. Identifiers: Orphanet 140162, MedGen C0027672, MeSH D009386, MONDO:0015356.
Familial cancer of breast. Also called: BREAST CANCER, FAMILIAL; Hereditary breast cancer; hereditary breast carcinoma. Identifiers: Orphanet 227535, MedGen C0346153, MONDO:0016419, OMIM 114480. Disease mechanism: loss of function.

Submissions (3):

Labcorp Genetics (formerly Invitae), Labcorp
Classification: Uncertain significance for Familial cancer of breast. Last evaluated: 2025-11-11. Review status: criteria provided, single submitter. Criteria: Invitae Variant Classification Sherloc (09022015). Collection method: clinical testing. Allele origin: germline.
Comment: This sequence change replaces methionine, which is neutral and non-polar, with arginine, which is basic and polar, at codon 296 of the PALB2 protein (p.Met296Arg). This variant is not present in population databases (gnomAD no frequency). This variant has not been reported in the literature in individuals affected with PALB2-related conditions. ClinVar contains an entry for this variant (Variation ID: 461028). Invitae Evidence Modeling of protein sequence and biophysical properties (such as structural, functional, and spatial information, amino acid conservation, physicochemical variation, residue mobility, and thermodynamic stability) indicates that this missense variant is not expected to disrupt PALB2 protein function with a negative predictive value of 80%. In summary, the available evidence is currently insufficient to determine the role of this variant in disease. Therefore, it has been classified as a Variant of Uncertain Significance.

Ambry Genetics
Classification: Uncertain significance for Hereditary cancer-predisposing syndrome. Last evaluated: 2024-09-30. Review status: criteria provided, single submitter. Criteria: Ambry Variant Classification Scheme 2023. Collection method: clinical testing. Allele origin: germline.
Comment: The p.M296R variant (also known as c.887T>G), located in coding exon 4 of the PALB2 gene, results from a T to G substitution at nucleotide position 887. The methionine at codon 296 is replaced by arginine, an amino acid with similar properties. This amino acid position is poorly conserved in available vertebrate species. In addition, this alteration is predicted to be tolerated by in silico analysis. Since supporting evidence is limited at this time, the clinical significance of this alteration remains unclear.

GeneDx
Classification: Uncertain significance. Last evaluated: 2023-11-29. Review status: criteria provided, single submitter. Criteria: GeneDx Variant Classification Process June 2021. Collection method: clinical testing. Allele origin: germline. Affected: yes.
Comment: Not observed at significant frequency in large population cohorts (gnomAD); In silico analysis supports that this missense variant does not alter protein structure/function; Has not been previously published as pathogenic or benign to our knowledge; This variant is associated with the following publications: (PMID: 19369211)

NM_024675.4(PALB2):c.887T>G (p.Met296Arg)

Gene: PALB2 (partner and localizer of BRCA2; minus strand). Cytogenetic location: 16p12.2.
Variant type: single nucleotide variant.
Coding change: c.887T>G on transcript NM_024675.4 (MANE Select); coding-DNA position 887, T replaced by G.
Protein change: p.Met296Arg; replaces methionine 296 with arginine.
Molecular consequence: missense variant.
Genome position (GRCh38, 1-based): chr16:23,635,659, A>C on the plus strand (T>G on the coding strand, the complement: PALB2 is on the minus strand). VCF-style: chr16-23635659-A-C. GRCh37 (hg19) VCF-style: chr16-23646980-A-C.
Other names: short protein forms M296R.
Identifiers: ClinVar variation 461028 (VCV000461028.16), dbSNP rs1555461566, ClinGen allele CA395135683.